The following is an entry in ClinVar:

NM_003072.5(SMARCA4):c.503G>A (p.Gly168Asp)

Gene: SMARCA4 (SWI/SNF related BAF chromatin remodeling complex subunit ATPase 4; plus strand). Cytogenetic location: 19p13.2.
Variant type: single nucleotide variant.
Coding change: c.503G>A on transcript NM_003072.5 (MANE Select); coding-DNA position 503, G replaced by A.
Protein change: p.Gly168Asp; replaces glycine 168 with aspartic acid.
Molecular consequence: missense variant. On other transcripts: non-coding transcript variant (1).
Genome position (GRCh38, 1-based): chr19:10,986,336, G>A. VCF-style: chr19-10986336-G-A. GRCh37 (hg19) VCF-style: chr19-11097012-G-A.
Other names: c.503G>A, p.Gly168Asp (NM_001128844.3, NM_001128845.2, NM_001128846.2 and 5 more transcripts); short protein forms G168D.
Identifiers: ClinVar variation 565431 (VCV000565431.10), dbSNP rs1171738627, ClinGen allele CA404056173.

ClinVar aggregate classification (germline): Uncertain significance. Review status: criteria provided, multiple submitters, no conflicts (2 of 4 stars). 2 submissions from 2 submitters: Uncertain significance (2). Last evaluated 2025-07-31.

Conditions:
Hereditary cancer-predisposing syndrome. Also called: Hereditary neoplastic syndrome; Neoplastic Syndromes, Hereditary; Tumor predisposition; Hereditary Cancer Syndrome. Identifiers: Orphanet 140162, MedGen C0027672, MeSH D009386, MONDO:0015356.
Rhabdoid tumor predisposition syndrome 2 (RTPS2). Identifiers: Orphanet 231108, Orphanet 69077, MedGen C2750074, MONDO:0013224, OMIM 613325.

Allele frequency attached by ClinVar (database versions not stated): gnomAD exomes below 0.00001; TOPMed below 0.00001.

Submissions (2):

Labcorp Genetics (formerly Invitae), Labcorp
Classification: Uncertain significance for Rhabdoid tumor predisposition syndrome 2. Last evaluated: 2025-07-31. Review status: criteria provided, single submitter. Criteria: Invitae Variant Classification Sherloc (09022015). Collection method: clinical testing. Allele origin: germline.
Comment: This sequence change replaces glycine, which is neutral and non-polar, with aspartic acid, which is acidic and polar, at codon 168 of the SMARCA4 protein (p.Gly168Asp). This variant is not present in population databases (gnomAD no frequency). This variant has not been reported in the literature in individuals affected with SMARCA4-related conditions. ClinVar contains an entry for this variant (Variation ID: 565431). Invitae Evidence Modeling of protein sequence and biophysical properties (such as structural, functional, and spatial information, amino acid conservation, physicochemical variation, residue mobility, and thermodynamic stability) indicates that this missense variant is not expected to disrupt SMARCA4 protein function with a negative predictive value of 95%. In summary, the available evidence is currently insufficient to determine the role of this variant in disease. Therefore, it has been classified as a Variant of Uncertain Significance.

Ambry Genetics
Classification: Uncertain significance for Hereditary cancer-predisposing syndrome. Last evaluated: 2024-04-10. Review status: criteria provided, single submitter. Criteria: Ambry Variant Classification Scheme 2023. Collection method: clinical testing. Allele origin: germline.
Comment: The p.G168D variant (also known as c.503G>A), located in coding exon 3 of the SMARCA4 gene, results from a G to A substitution at nucleotide position 503. The glycine at codon 168 is replaced by aspartic acid, an amino acid with similar properties. This amino acid position is highly conserved in available vertebrate species. In addition, the in silico prediction for this alteration is inconclusive. Since supporting evidence is limited at this time, the clinical significance of this alteration remains unclear.